The following is an entry in ClinVar:

ClinVar aggregate classification (germline): Conflicting classifications of pathogenicity. Review status: criteria provided, conflicting classifications (1 of 4 stars). 4 submissions from 4 submitters: Uncertain significance (3); Benign (1). Last evaluated 2025-01-06.

Conditions:
CHD7-related disorder. Also called: CHD7-related condition.
CHARGE syndrome (CHARGE). Also called: Hittner Hirsch Kreh syndrome; CHARGE ASSOCIATION--COLOBOMA, HEART ANOMALY, CHOANAL ATRESIA, RETARDATION, GENITAL AND EAR ANOMALIES; Coloboma, heart anomaly, choanal atresia, retardation, genital and ear anomalies; CHARGE association; Hall-Hittner syndrome. Identifiers: Orphanet 138, MedGen C0265354, MONDO:0008965.
Hypogonadotropic hypogonadism 5 with or without anosmia (KAL5). Also called: HYPOGONADOTROPIC HYPOGONADISM 5 WITH ANOSMIA; CHD7-Related GnRH Deficiency (Kallmann Syndrome 5); HYPOGONADOTROPHIC HYPOGONADISM 5 WITHOUT ANOSMIA. Identifiers: Orphanet 478, MedGen C3552553, MONDO:0012880, OMIM 612370. Disease mechanism: loss of function.

Allele frequency attached by ClinVar (database versions not stated): gnomAD 0.00001; gnomAD exomes 0.00002; ExAC 0.00003; ESP Exome Variant Server 0.00008.
gnomAD v4.1: 32 of 1,613,752 alleles (0.002%); highest among the groups gnomAD compares: Middle Eastern, 0.033%; no homozygotes.

Submissions (4):

Labcorp Genetics (formerly Invitae), Labcorp
Classification: Benign for CHARGE syndrome. Last evaluated: 2025-01-06. Review status: criteria provided, single submitter. Criteria: Invitae Variant Classification Sherloc (09022015). Collection method: clinical testing. Allele origin: germline.

PreventionGenetics, part of Exact Sciences
Classification: Uncertain significance for CHD7-related condition. Last evaluated: 2023-03-27. Review status: criteria provided, single submitter. Criteria: ACMG Guidelines, 2015. Collection method: clinical testing. Allele origin: germline.
Comment: The CHD7 c.5834G>A variant is predicted to result in the amino acid substitution p.Arg1945Gln. To our knowledge, this variant has not been reported in the literature. This variant is reported in 0.013% of alleles in individuals of African descent in gnomAD. At this time, the clinical significance of this variant is uncertain due to the absence of conclusive functional and genetic evidence.

Fulgent Genetics
Classification: Uncertain significance for CHD7-related CHARGE syndrome; Hypogonadotropic hypogonadism 5 with or without anosmia. Last evaluated: 2022-03-16. Review status: criteria provided, single submitter. Criteria: ACMG Guidelines, 2015. Collection method: clinical testing. Allele origin: unknown.

GeneDx
Classification: Uncertain significance. Last evaluated: 2019-04-30. Review status: criteria provided, single submitter. Criteria: GeneDx Variant Classification Process June 2021. Collection method: clinical testing. Allele origin: germline. Affected: yes.
Comment: In silico analysis, which includes protein predictors and evolutionary conservation, supports that this variant does not alter protein structure/function; Has not been previously published as pathogenic or benign to our knowledge

NM_017780.4(CHD7):c.5834G>A (p.Arg1945Gln)

Gene: CHD7 (chromodomain helicase DNA binding protein 7; plus strand). Cytogenetic location: 8q12.2.
Variant type: single nucleotide variant.
Coding change: c.5834G>A on transcript NM_017780.4 (MANE Select); coding-DNA position 5834, G replaced by A.
Protein change: p.Arg1945Gln; replaces arginine 1945 with glutamine.
Molecular consequence: missense variant. On other transcripts: intron variant (1).
Genome position (GRCh38, 1-based): chr8:60,852,187, G>A. VCF-style: chr8-60852187-G-A. GRCh37 (hg19) VCF-style: chr8-61764746-G-A.
Other names: c.1717-10042G>A (NM_001316690.1); c.5834G>A (NM_017780.3); short protein forms R1945Q.
Identifiers: ClinVar variation 1304959 (VCV001304959.9), dbSNP rs374040699, ClinGen allele CA4760472.